The following is an entry in ClinVar:

ClinVar aggregate classification (germline): Likely benign (1 of 4 stars; one submission).

Allele frequency attached by ClinVar (database versions not stated): ExAC 0.00001; gnomAD 0.00001.
gnomAD v4.1: 14 of 1,614,006 alleles (0.00087%); highest among the groups gnomAD compares: Admixed American, 0.0017%; no homozygotes.

Submission:

CeGaT Center for Human Genetics Tuebingen
Classification: Likely benign. Last evaluated: 2024-08-01. Review status: criteria provided, single submitter. Criteria: CeGaT Center For Human Genetics Tuebingen Variant Classification Criteria Version 2. Collection method: clinical testing. Allele origin: germline. Affected: yes. Observed: 2 variant alleles.
Comment: CUX2: PP3, BS2

NM_015267.4(CUX2):c.3517G>A (p.Val1173Met)

Gene: CUX2 (cut like homeobox 2; plus strand). Cytogenetic location: 12q24.12.
Variant type: single nucleotide variant.
Coding change: c.3517G>A on transcript NM_015267.4 (MANE Select); coding-DNA position 3517, G replaced by A.
Protein change: p.Val1173Met; replaces valine 1173 with methionine.
Molecular consequence: missense variant.
Genome position (GRCh38, 1-based): chr12:111,341,911, G>A. VCF-style: chr12-111341911-G-A. GRCh37 (hg19) VCF-style: chr12-111779715-G-A.
Other names: c.3331G>A, p.Val1111Met (NM_001370598.1); short protein forms V1111M, V1173M.
Identifiers: ClinVar variation 2643309 (VCV002643309.24), dbSNP rs757404371, ClinGen allele CA6789148.
Genomic context (GRCh38, chr12:111,341,911, plus strand): 5'-TGCCCCAGCCCCTGCCTGCAGCCCCAGGACCTGAGCCTCCTGCAGATCAAGAAGCCCCGG[G>A]TGGTGCTGGCACCCGAGGAGAAGGAGGCACTGCGGAAGGCCTATCAGCTGGAACCCTACC-3'
Protein context (NP_056082.2, residues 1163-1183): LSLLQIKKPR[Val1173Met]VLAPEEKEAL